The following is an entry in ClinVar:

NM_001330700.2(TOP2B):c.4145_4156del (p.Ala1382_Asp1385del)

Gene: TOP2B (DNA topoisomerase II beta; minus strand). Cytogenetic location: 3p24.2.
Variant type: Deletion.
Coding change: c.4145_4156del on transcript NM_001330700.2 (MANE Select); coding-DNA positions 4145 to 4156, 12 bases deleted (CTGATGATGATG).
Protein change: p.Ala1382_Asp1385del.
Genome position (GRCh38, 1-based): chr3:25,607,313-25,607,324, CATCATCATCAG deleted on the plus strand (CTGATGATGATG on the coding strand, the reverse complement: TOP2B is on the minus strand); deleting any 12 consecutive bases within chr3:25,607,313-25,607,334 gives the same sequence; the c. name uses the placement nearest the transcript's 3' end. VCF-style (leftmost placement, unchanged base first): chr3-25607312-TCATCATCATCAG-T. GRCh37 (hg19) VCF-style: chr3-25648803-TCATCATCATCAG-T.
Other names: c.4130_4141del, p.Ala1377_Asp1380del (NM_001068.3).
Identifiers: ClinVar variation 4761484 (VCV004761484.1).

ClinVar aggregate classification (germline): Uncertain significance (1 of 4 stars; one submission).

Submission:

Labcorp Genetics (formerly Invitae), Labcorp
Classification: Uncertain significance. Last evaluated: 2025-10-18. Review status: criteria provided, single submitter. Criteria: Invitae Variant Classification Sherloc (09022015). Collection method: clinical testing. Allele origin: germline.
Comment: This variant, c.4130_4141del, results in the deletion of 4 amino acid(s) of the TOP2B protein (p.Ala1377_Asp1380del), but otherwise preserves the integrity of the reading frame. This variant is not present in population databases (gnomAD no frequency). This variant has not been reported in the literature in individuals affected with TOP2B-related conditions. Experimental studies and prediction algorithms are not available or were not evaluated, and the functional significance of this variant is currently unknown. In summary, the available evidence is currently insufficient to determine the role of this variant in disease. Therefore, it has been classified as a Variant of Uncertain Significance.